The following is an entry in ClinVar:

ClinVar aggregate classification (germline): Uncertain significance (1 of 4 stars; one submission).

gnomAD v4.1: 20 of 1,614,198 alleles (0.0012%); highest among the groups gnomAD compares: Non-Finnish European, 0.0017%; no homozygotes.

Submission:

Labcorp Genetics (formerly Invitae), Labcorp
Classification: Uncertain significance. Last evaluated: 2024-10-15. Review status: criteria provided, single submitter. Criteria: Invitae Variant Classification Sherloc (09022015). Collection method: clinical testing. Allele origin: germline.
Comment: This sequence change replaces asparagine, which is neutral and polar, with threonine, which is neutral and polar, at codon 728 of the SIRT1 protein (p.Asn728Thr). This variant is present in population databases (rs761406151, gnomAD 0.0009%). This variant has not been reported in the literature in individuals affected with SIRT1-related conditions. An algorithm developed to predict the effect of missense changes on protein structure and function (PolyPhen-2) suggests that this variant is likely to be tolerated. In summary, the available evidence is currently insufficient to determine the role of this variant in disease. Therefore, it has been classified as a Variant of Uncertain Significance.

NM_012238.5(SIRT1):c.2183A>C (p.Asn728Thr)

Gene: SIRT1 (sirtuin 1; plus strand). Cytogenetic location: 10q21.3.
Variant type: single nucleotide variant.
Coding change: c.2183A>C on transcript NM_012238.5 (MANE Select); coding-DNA position 2183, A replaced by C.
Protein change: p.Asn728Thr; replaces asparagine 728 with threonine.
Molecular consequence: missense variant.
Genome position (GRCh38, 1-based): chr10:67,916,532, A>C. VCF-style: chr10-67916532-A-C. GRCh37 (hg19) VCF-style: chr10-69676289-A-C.
Other names: c.1298A>C, p.Asn433Thr (NM_001142498.2); c.1274A>C, p.Asn425Thr (NM_001314049.2); short protein forms N433T, N728T, N425T.
Identifiers: ClinVar variation 2987937 (VCV002987937.3), dbSNP rs761406151, ClinGen allele CA5521422.